The following is an entry in ClinVar:

NM_005876.5(SPEG):c.1928G>C (p.Trp643Ser)

Gene: SPEG (striated muscle enriched protein kinase; plus strand). Cytogenetic location: 2q35.
Variant type: single nucleotide variant.
Coding change: c.1928G>C on transcript NM_005876.5 (MANE Select); coding-DNA position 1928, G replaced by C.
Protein change: p.Trp643Ser; replaces tryptophan 643 with serine.
Molecular consequence: missense variant.
Genome position (GRCh38, 1-based): chr2:219,449,086, G>C. VCF-style: chr2-219449086-G-C. GRCh37 (hg19) VCF-style: chr2-220313808-G-C.
Other names: short protein forms W643S.
Identifiers: ClinVar variation 1961060 (VCV001961060.5), dbSNP rs1689541382, ClinGen allele CA350725184.

ClinVar aggregate classification (germline): Uncertain significance (1 of 4 stars; one submission).

Allele frequency attached by ClinVar (database versions not stated): gnomAD 0.00001; TOPMed below 0.00001.
gnomAD v4.1: 1 of 1,502,904 alleles (0.000067%); highest among the groups gnomAD compares: Non-Finnish European, 0.000089%; no homozygotes.

Submission:

Labcorp Genetics (formerly Invitae), Labcorp
Classification: Uncertain significance. Last evaluated: 2022-06-22. Review status: criteria provided, single submitter. Criteria: Invitae Variant Classification Sherloc (09022015). Collection method: clinical testing. Allele origin: germline.
Comment: In summary, the available evidence is currently insufficient to determine the role of this variant in disease. Therefore, it has been classified as a Variant of Uncertain Significance. Algorithms developed to predict the effect of missense changes on protein structure and function are either unavailable or do not agree on the potential impact of this missense change (SIFT: "Tolerated"; PolyPhen-2: "Possibly Damaging"; Align-GVGD: "Class C15"). This variant has not been reported in the literature in individuals affected with SPEG-related conditions. This variant is not present in population databases (gnomAD no frequency). This sequence change replaces tryptophan, which is neutral and slightly polar, with serine, which is neutral and polar, at codon 643 of the SPEG protein (p.Trp643Ser).